The following is an entry in ClinVar:

NM_007129.5(ZIC2):c.437T>C (p.Leu146Pro)

Gene: ZIC2 (Zic family member 2; plus strand). Cytogenetic location: 13q32.3.
Variant type: single nucleotide variant.
Coding change: c.437T>C on transcript NM_007129.5 (MANE Select); coding-DNA position 437, T replaced by C.
Protein change: p.Leu146Pro; replaces leucine 146 with proline.
Molecular consequence: missense variant.
Genome position (GRCh38, 1-based): chr13:99,982,501, T>C. VCF-style: chr13-99982501-T-C. GRCh37 (hg19) VCF-style: chr13-100634755-T-C.
Other names: short protein forms L146P.
Identifiers: ClinVar variation 2444654 (VCV002444654.1), dbSNP rs1594290684, ClinGen allele CA388637286.

ClinVar aggregate classification (germline): Uncertain significance (1 of 4 stars; one submission).

Submission:

GeneDx
Classification: Uncertain significance. Last evaluated: 2022-09-20. Review status: criteria provided, single submitter. Criteria: GeneDx Variant Classification Process June 2021. Collection method: clinical testing. Allele origin: germline. Affected: yes.
Comment: Not observed at significant frequency in large population cohorts (gnomAD); In silico analysis supports that this missense variant does not alter protein structure/function; Has not been previously published as pathogenic or benign to our knowledge